The following is an entry in ClinVar:

NM_000130.5(F5):c.6644G>A (p.Arg2215His)

Gene: F5 (coagulation factor V; minus strand). Cytogenetic location: 1q24.2.
Variant type: single nucleotide variant.
Coding change: c.6644G>A on transcript NM_000130.5 (MANE Select); coding-DNA position 6644, G replaced by A.
Protein change: p.Arg2215His; replaces arginine 2215 with histidine.
Molecular consequence: missense variant.
Genome position (GRCh38, 1-based): chr1:169,514,344, C>T on the plus strand (G>A on the coding strand, the complement: F5 is on the minus strand). VCF-style: chr1-169514344-C-T. GRCh37 (hg19) VCF-style: chr1-169483582-C-T.
Other names: short protein forms R2215H.
Identifiers: ClinVar variation 1676748 (VCV001676748.1), dbSNP rs952196842, ClinGen allele CA32418012.

ClinVar aggregate classification (germline): Uncertain significance (1 of 4 stars; one submission).

Conditions:
Factor V deficiency. Also called: Reduced coagulation factor V activity. Identifiers: Orphanet 326, MedGen C4317320, MONDO:0020586, HP:0003225.

Allele frequency attached by ClinVar (database versions not stated): gnomAD 0.00001.
gnomAD v4.1: 22 of 1,613,068 alleles (0.0014%); highest among the groups gnomAD compares: East Asian, 0.0045%; no homozygotes.

Submission:

ISTH-SSC Genomics in Thrombosis and Hemostasis, KU Leuven, Center for Molecular and Vascular Biology
Classification: Uncertain significance for Congenital factor V deficiency. Review status: criteria provided, single submitter. Criteria: ACMG Guidelines, 2015. Collection method: clinical testing. Allele origin: unknown. Affected: yes.
Comment: Submitted to GoldVariant by Kathleen Freson, Center for Molecular and Vascular Biology, Leuven, Belgium

Literature cited by the submitters: PubMed 34355501.